The following is an entry in ClinVar:

NM_022356.4(P3H1):c.1_13del (p.Met1fs)

Gene: P3H1 (prolyl 3-hydroxylase 1; minus strand). Cytogenetic location: 1p34.2.
Variant type: Deletion.
Coding change: c.1_13del on transcript NM_022356.4 (MANE Select); coding-DNA positions 1 to 13, 13 bases deleted (ATGGCGGTACGCG).
Protein change: p.Met1fs; shifts the reading frame from methionine 1.
Molecular consequence: frameshift variant, initiator codon variant.
Genome position (GRCh38, 1-based): chr1:42,766,959-42,766,971, CGCGTACCGCCAT deleted on the plus strand (ATGGCGGTACGCG on the coding strand, the reverse complement: P3H1 is on the minus strand); deleting any 13 consecutive bases within chr1:42,766,959-42,766,974 gives the same sequence; the c. name uses the placement nearest the transcript's 3' end. VCF-style (leftmost placement, unchanged base first): chr1-42766958-GCGCGTACCGCCAT-G. GRCh37 (hg19) VCF-style: chr1-43232629-GCGCGTACCGCCAT-G.
Other names: c.1_13del, p.Met1fs (NM_001146289.2, NM_001243246.2); short protein forms M1fs.
Identifiers: ClinVar variation 1526177 (VCV001526177.2), dbSNP rs2124177151, ClinGen allele CA2573132281.
Genomic context (GRCh38, chr1:42,766,958, plus strand): 5'-TCGACCTCGGCTTGGGAGGCAGCGGCCACGACAGCCAGCAGTGTGGTCAGCAGCTTCAAC[GCGCGTACCGCCAT>G]CGCTCCCTCAGACCTAACGGAACCGCCAGCCACCCGCCACCAAGGCCGGAGTCCTACCCC-3'

ClinVar aggregate classification (germline): Likely pathogenic (1 of 4 stars; one submission).

Conditions:
Osteogenesis imperfecta type 8 (OI8). Identifiers: MedGen C1970458, MONDO:0012581, OMIM 610915.

Submission:

3billion
Classification: Likely pathogenic for Osteogenesis imperfecta type 8. Last evaluated: 2022-03-22. Review status: criteria provided, single submitter. Criteria: ACMG Guidelines, 2015. Collection method: clinical testing. Allele origin: germline. Affected: yes. Observed: 1 heterozygote.
Comment: Frameshift: predicted to result in a loss or disruption of normal protein function through nonsense-mediated decay (NMD) or protein truncation. Multiple pathogenic variants are reported downstream of the variant.It is not observed in the gnomAD v2.1.1 dataset. Therefore, this variant is classified as likely pathogenic according to the recommendation of ACMG/AMP guideline.